The following is an entry in ClinVar:

NM_032520.5(GNPTG):c.609+2T>G

Gene: GNPTG (N-acetylglucosamine-1-phosphate transferase subunit gamma; plus strand). Cytogenetic location: 16p13.3.
Variant type: single nucleotide variant.
Coding change: c.609+2T>G on transcript NM_032520.5 (MANE Select); the canonical splice donor site of the intron after coding-DNA position 609, T replaced by G.
Molecular consequence: splice donor variant.
Genome position (GRCh38, 1-based): chr16:1,362,536, T>G. VCF-style: chr16-1362536-T-G. GRCh37 (hg19) VCF-style: chr16-1412537-T-G.
Identifiers: ClinVar variation 2819049 (VCV002819049.3), dbSNP rs2548190488, ClinGen allele CA394188372.

ClinVar aggregate classification (germline): Pathogenic (1 of 4 stars; one submission).

Submission:

Labcorp Genetics (formerly Invitae), Labcorp
Classification: Pathogenic. Last evaluated: 2022-12-07. Review status: criteria provided, single submitter. Criteria: Invitae Variant Classification Sherloc (09022015). Collection method: clinical testing. Allele origin: germline.
Comment: This variant is not present in population databases (gnomAD no frequency). Disruption of this splice site has been observed in individuals with mucolipidosis type III gamma (PMID: 24316125, 29872134). Algorithms developed to predict the effect of sequence changes on RNA splicing suggest that this variant may disrupt the consensus splice site. For these reasons, this variant has been classified as Pathogenic. This sequence change affects a donor splice site in intron 8 of the GNPTG gene. It is expected to disrupt RNA splicing. Variants that disrupt the donor or acceptor splice site typically lead to a loss of protein function (PMID: 16199547), and loss-of-function variants in GNPTG are known to be pathogenic (PMID: 19370764, 20301784).

Literature cited by the submitters: PubMed 24316125; PubMed 29872134; PubMed 16199547; PubMed 19370764; PubMed 20301784.